The following is an entry in ClinVar:

NM_138694.4(PKHD1):c.7529_7530del (p.Ser2510fs)

Gene: PKHD1 (PKHD1 ciliary IPT domain containing fibrocystin/polyductin; minus strand). Cytogenetic location: 6p12.2.
Variant type: Microsatellite.
Coding change: c.7529_7530del on transcript NM_138694.4 (MANE Select); coding-DNA positions 7529 to 7530, 2 bases deleted (CT; older notation c.7529_7530delCT).
Protein change: p.Ser2510fs; shifts the reading frame from serine 2510.
Molecular consequence: frameshift variant.
Genome position (GRCh38, 1-based): chr6:51,868,066-51,868,067, AG deleted on the plus strand (CT on the coding strand, the reverse complement: PKHD1 is on the minus strand); deleting any 2 consecutive bases within chr6:51,868,066-51,868,069 gives the same sequence; the c. name uses the placement nearest the transcript's 3' end. VCF-style (leftmost placement, unchanged base first): chr6-51868065-AAG-A. GRCh37 (hg19) VCF-style: chr6-51732863-AAG-A.
Other names: c.7529_7530del, p.Ser2510fs (NM_170724.3); short protein forms S2510fs.
Identifiers: ClinVar variation 1070528 (VCV001070528.8), dbSNP rs2151761823, ClinGen allele CA2580617253.

ClinVar aggregate classification (germline): Pathogenic (1 of 4 stars; one submission).

Conditions:
Autosomal recessive polycystic kidney disease (ARPKD). Also called: AR polycystic kidney disease. Identifiers: Orphanet 731, Orphanet 8378, MedGen C0085548, MeSH D017044, MONDO:0009889.

Submission:

Labcorp Genetics (formerly Invitae), Labcorp
Classification: Pathogenic for Autosomal recessive polycystic kidney disease. Last evaluated: 2020-02-04. Review status: criteria provided, single submitter. Criteria: Invitae Variant Classification Sherloc (09022015). Collection method: clinical testing. Allele origin: germline.
Comment: For these reasons, this variant has been classified as Pathogenic. Loss-of-function variants in PKHD1 are known to be pathogenic (PMID: 19940839). This variant has not been reported in the literature in individuals with PKHD1-related conditions. This variant is not present in population databases (ExAC no frequency). This sequence change creates a premature translational stop signal (p.Ser2510Phefs*73) in the PKHD1 gene. It is expected to result in an absent or disrupted protein product.

Literature cited by the submitters: PubMed 19940839.